The following is an entry in ClinVar:

ClinVar aggregate classification (germline): Uncertain significance (1 of 4 stars; one submission).

Allele frequency attached by ClinVar (database versions not stated): gnomAD exomes below 0.00001.
gnomAD v4.1: 1 of 1,612,062 alleles (0.000062%); highest among the groups gnomAD compares: Non-Finnish European, 0.000085%; no homozygotes.

Submission:

Labcorp Genetics (formerly Invitae), Labcorp
Classification: Uncertain significance. Last evaluated: 2022-06-18. Review status: criteria provided, single submitter. Criteria: Invitae Variant Classification Sherloc (09022015). Collection method: clinical testing. Allele origin: germline.
Comment: This variant has not been reported in the literature in individuals affected with IREB2-related conditions. In summary, the available evidence is currently insufficient to determine the role of this variant in disease. Therefore, it has been classified as a Variant of Uncertain Significance. Algorithms developed to predict the effect of sequence changes on RNA splicing suggest that this variant may disrupt the consensus splice site. Algorithms developed to predict the effect of missense changes on protein structure and function are either unavailable or do not agree on the potential impact of this missense change (SIFT: "Not Available"; PolyPhen-2: "Possibly Damaging"; Align-GVGD: "Not Available"). This variant is not present in population databases (gnomAD no frequency). This sequence change replaces glycine, which is neutral and non-polar, with alanine, which is neutral and non-polar, at codon 952 of the IREB2 protein (p.Gly952Ala).

NM_004136.4(IREB2):c.2855G>C (p.Gly952Ala)

Gene: IREB2 (iron responsive element binding protein 2; plus strand). Cytogenetic location: 15q25.1.
Variant type: single nucleotide variant.
Coding change: c.2855G>C on transcript NM_004136.4 (MANE Select); coding-DNA position 2855, G replaced by C.
Protein change: p.Gly952Ala; replaces glycine 952 with alanine.
Molecular consequence: missense variant.
Genome position (GRCh38, 1-based): chr15:78,498,106, G>C. VCF-style: chr15-78498106-G-C. GRCh37 (hg19) VCF-style: chr15-78790448-G-C.
Other names: c.2105G>C, p.Gly702Ala (NM_001320941.2); c.2684G>C, p.Gly895Ala (NM_001320942.2, NM_001354994.2); short protein forms G702A, G952A, G895A.
Identifiers: ClinVar variation 2004911 (VCV002004911.4), dbSNP rs1314860305, ClinGen allele CA393568495.
Genomic context (GRCh38, chr15:78,498,106, plus strand): 5'-AAGTATTCAGCGTGATTGCTTCGTTTGAAGATGATGTGGAAATAACATTATACAAACATG[G>C]AGGATTATTAAACTTTGTGGCACGAAAATTCTCATAGTATCTACTTACCATAGATACCTT-3'
Protein context (NP_004127.2, residues 942-962): DDVEITLYKH[Gly952Ala]GLLNFVARKF